The following is an entry in ClinVar:

NM_007118.4(TRIO):c.8509G>T (p.Val2837Phe)

Gene: TRIO (trio Rho guanine nucleotide exchange factor; plus strand). Cytogenetic location: 5p15.2.
Variant type: single nucleotide variant.
Coding change: c.8509G>T on transcript NM_007118.4 (MANE Select); coding-DNA position 8509, G replaced by T.
Protein change: p.Val2837Phe; replaces valine 2837 with phenylalanine.
Molecular consequence: missense variant. On other transcripts: non-coding transcript variant (1).
Genome position (GRCh38, 1-based): chr5:14,504,490, G>T. VCF-style: chr5-14504490-G-T. GRCh37 (hg19) VCF-style: chr5-14504599-G-T.
Other names: short protein forms V2837F.
Identifiers: ClinVar variation 1304696 (VCV001304696.2), dbSNP rs2126708891, ClinGen allele CA359240096.

ClinVar aggregate classification (germline): Uncertain significance (1 of 4 stars; one submission).

Submission:

GeneDx
Classification: Uncertain significance. Last evaluated: 2020-02-11. Review status: criteria provided, single submitter. Criteria: GeneDx Variant Classification Process June 2021. Collection method: clinical testing. Allele origin: germline. Affected: yes.
Comment: Not observed in large population cohorts (Lek et al., 2016); In silico analysis supports that this missense variant has a deleterious effect on protein structure/function; Has not been previously published as pathogenic or benign to our knowledge